The following is an entry in ClinVar:

NM_001292034.3(TAB2):c.1356del (p.Val453fs)

Genes: TAB2 (TGF-beta activated kinase 1 (MAP3K7) binding protein 2; plus strand), LOC126859827 (BRD4-independent group 4 enhancer GRCh37_chr6:149699707-149700906; plus strand). Cytogenetic location: 6q25.1.
Variant type: Deletion.
Coding change: c.1356del on transcript NM_001292034.3 (MANE Select); coding-DNA position 1356, one base deleted (A; older notation c.1356delA).
Protein change: p.Val453fs; shifts the reading frame from valine 453.
Molecular consequence: frameshift variant.
Genome position (GRCh38, 1-based): chr6:149,379,271, A deleted. VCF-style (leftmost placement, unchanged base first): chr6-149379270-GA-G. GRCh37 (hg19) VCF-style: chr6-149700406-GA-G.
Other names: c.1260del, p.Val421fs (NM_001292035.3); c.1356del, p.Val453fs (NM_001369506.1, NM_015093.6); short protein forms V421fs, V453fs.
Identifiers: ClinVar variation 2579971 (VCV002579971.1), dbSNP rs2483396559, ClinGen allele CA2580617877.

ClinVar aggregate classification (germline): Pathogenic (1 of 4 stars; one submission).

Submission:

GeneDx
Classification: Pathogenic. Last evaluated: 2023-06-01. Review status: criteria provided, single submitter. Criteria: GeneDx Variant Classification Process June 2021. Collection method: clinical testing. Allele origin: germline. Affected: yes.
Comment: Frameshift variant predicted to result in protein truncation or nonsense mediated decay in a gene for which loss-of-function is a known mechanism of disease; Not observed at significant frequency in large population cohorts (gnomAD); Has not been previously published as pathogenic or benign to our knowledge